The following is an entry in ClinVar:

NM_000541.5(SAG):c.136+8G>C

Gene: SAG (S-antigen visual arrestin; plus strand). Cytogenetic location: 2q37.1.
Variant type: single nucleotide variant.
Coding change: c.136+8G>C on transcript NM_000541.5 (MANE Select); 8 bases into the intron after coding-DNA position 136, G replaced by C.
Molecular consequence: intron variant.
Genome position (GRCh38, 1-based): chr2:233,316,143, G>C. VCF-style: chr2-233316143-G-C. GRCh37 (hg19) VCF-style: chr2-234224789-G-C.
Other names: c.136+8G>C (NM_000541.4).
Identifiers: ClinVar variation 1585689 (VCV001585689.10), dbSNP rs768754201, ClinGen allele CA2174222.

ClinVar aggregate classification (germline): Likely benign. Review status: criteria provided, multiple submitters, no conflicts (2 of 4 stars). 3 submissions from 3 submitters: Likely benign (3). Last evaluated 2025-12-23.

Conditions:
SAG-related disorder. Also called: SAG-related condition; SAG-related disorders.

Allele frequency attached by ClinVar (database versions not stated): gnomAD 0.00003; TOPMed 0.00003; gnomAD exomes 0.00010; ExAC 0.00012.
gnomAD v4.1: 32 of 1,558,546 alleles (0.0021%); highest among the groups gnomAD compares: Admixed American, 0.056%; no homozygotes.

Submissions (3):

PreventionGenetics, part of Exact Sciences
Classification: Likely benign for SAG-related condition. Last evaluated: 2025-12-23. Review status: criteria provided, single submitter. Criteria: ACMG Guidelines, 2015. Collection method: clinical testing. Allele origin: germline.
Comment: This variant is classified as likely benign based on ACMG/AMP sequence variant interpretation guidelines (Richards et al. 2015 PMID: 25741868, with internal and published modifications).

Labcorp Genetics (formerly Invitae), Labcorp
Classification: Likely benign. Last evaluated: 2025-08-21. Review status: criteria provided, single submitter. Criteria: Invitae Variant Classification Sherloc (09022015). Collection method: clinical testing. Allele origin: germline.

Blueprint Genetics
Classification: Likely benign. Last evaluated: 2023-08-17. Review status: criteria provided, single submitter. Criteria: ACMG Guidelines, 2015. Collection method: clinical testing. Allele origin: germline.